The following is an entry in ClinVar:

ClinVar aggregate classification (germline): Likely benign. Review status: criteria provided, multiple submitters, no conflicts (2 of 4 stars). 5 submissions from 5 submitters: Likely benign (5). Last evaluated 2025-10-16.

Conditions:
Cardiovascular phenotype. Identifiers: MedGen CN230736.
Dilated cardiomyopathy 1G (CMD1G). Identifiers: Orphanet 154, MedGen C1858763, MONDO:0011400, OMIM 604145.
Autosomal recessive limb-girdle muscular dystrophy type 2J (LGMDR10). Also called: Limb-girdle muscular dystrophy, type 2J; MUSCULAR DYSTROPHY, LIMB-GIRDLE, AUTOSOMAL RECESSIVE 10. Identifiers: Orphanet 140922, MedGen C1837342, MONDO:0012127, OMIM 608807.
Myopathy, myofibrillar, 9, with early respiratory failure (MFM9). Also called: Hereditary myopathy with early respiratory failure; MYOPATHY, PROXIMAL, WITH EARLY RESPIRATORY MUSCLE INVOLVEMENT; Myopathy, distal, with early respiratory failure, autosomal dominant; EDSTROM MYOPATHY. Identifiers: Orphanet 178464, Orphanet 34521, MedGen C1863599, MONDO:0011362, OMIM 603689.
Tibial muscular dystrophy (TMD). Also called: UDD MYOPATHY; Tibial muscular dystrophy, tardive; Udd Distal Myopathy – Tibial Muscular Dystrophy. Identifiers: Orphanet 609, MedGen C1838244, MONDO:0010870, OMIM 600334.
Early-onset myopathy with fatal cardiomyopathy (CMYO5). Also called: Salih Myopathy; CONGENITAL MYOPATHY 5 WITH CARDIOMYOPATHY. Identifiers: Orphanet 289377, MedGen C2673677, MONDO:0012714, OMIM 611705. Disease mechanism: loss of function.
Hypertrophic cardiomyopathy 9. Also called: Familial hypertrophic cardiomyopathy 9. Identifiers: MedGen C1861065, MONDO:0013412, OMIM 613765.

Allele frequency attached by ClinVar (database versions not stated): gnomAD exomes below 0.00001; TOPMed below 0.00001.
gnomAD v4.1: 5 of 1,613,618 alleles (0.00031%); highest among the groups gnomAD compares: Middle Eastern, 0.017%; no homozygotes.

Submissions (5):

Mayo Clinic Laboratories, Mayo Clinic
Classification: Likely benign. Last evaluated: 2025-10-16. Review status: criteria provided, single submitter. Criteria: ACMG Guidelines, 2015. Collection method: clinical testing. Allele origin: germline. Observed: 1 variant allele.
Comment: BP4, BP7, PM2_supporting

Ambry Genetics
Classification: Likely benign for Cardiovascular phenotype. Last evaluated: 2025-05-18. Review status: criteria provided, single submitter. Criteria: Ambry Variant Classification Scheme 2023. Collection method: clinical testing. Allele origin: germline.

Labcorp Genetics (formerly Invitae), Labcorp
Classification: Likely benign for Dilated cardiomyopathy 1G; Autosomal recessive limb-girdle muscular dystrophy type 2J. Last evaluated: 2023-12-31. Review status: criteria provided, single submitter. Criteria: Invitae Variant Classification Sherloc (09022015). Collection method: clinical testing. Allele origin: germline.

Blueprint Genetics
Classification: Likely benign. Last evaluated: 2023-05-08. Review status: criteria provided, single submitter. Criteria: ACMG Guidelines, 2015. Collection method: clinical testing. Allele origin: germline.

Fulgent Genetics
Classification: Likely benign for Tibial muscular dystrophy; Myopathy, myofibrillar, 9, with early respiratory failure; Dilated cardiomyopathy 1G; Autosomal recessive limb-girdle muscular dystrophy type 2J; Early-onset myopathy with fatal cardiomyopathy; Hypertrophic cardiomyopathy 9. Last evaluated: 2021-12-13. Review status: criteria provided, single submitter. Criteria: ACMG Guidelines, 2015. Collection method: clinical testing. Allele origin: unknown.

NM_001267550.2(TTN):c.93663C>T (p.Thr31221=)

Genes: TTN (titin; minus strand), TTN-AS1 (TTN antisense RNA 1; plus strand). Cytogenetic location: 2q31.2.
Variant type: single nucleotide variant.
Coding change: c.93663C>T on transcript NM_001267550.2 (MANE Select); coding-DNA position 93663, C replaced by T.
Protein change: p.Thr31221=; no amino-acid change (threonine 31221 retained).
Molecular consequence: synonymous variant.
Genome position (GRCh38, 1-based): chr2:178,547,963, G>A on the plus strand (C>T on the coding strand, the complement: TTN is on the minus strand). VCF-style: chr2-178547963-G-A. GRCh37 (hg19) VCF-style: chr2-179412690-G-A.
Other names: p.Thr29580=; c.88740C>T, p.Thr29580= (NM_001256850.1); c.66468C>T, p.Thr22156= (NM_003319.4); c.85959C>T, p.Thr28653= (NM_133378.4); c.66843C>T, p.Thr22281= (NM_133432.3); c.67044C>T, p.Thr22348= (NM_133437.4).
Identifiers: ClinVar variation 1155535 (VCV001155535.13), dbSNP rs1489398531, ClinGen allele CA430243230.